The following is an entry in ClinVar:

ClinVar aggregate classification (germline): Uncertain significance. Review status: criteria provided, multiple submitters, no conflicts (2 of 4 stars). 3 submissions from 3 submitters: Uncertain significance (3). Last evaluated 2025-12-17.

Conditions:
Hereditary sensory and autonomic neuropathy type 6. Also called: Neuropathy, hereditary sensory and autonomic, type VI; HSAN VI. Identifiers: Orphanet 314381, MedGen C3539003, MONDO:0013839, OMIM 614653.
Epidermolysis bullosa simplex 3, localized or generalized intermediate, with BP230 deficiency (EBS3). Also called: Epidermolysis bullosa simplex, autosomal recessive 2; Epidermolysis bullosa simplex due to BP230 deficiency. Identifiers: Orphanet 412181, MedGen C3809470, MONDO:0014180, OMIM 615425.
DST-related disorder. Also called: DST-related disorders; DST-related condition.
Inborn genetic diseases. Identifiers: MedGen C0950123, MeSH D030342.

Allele frequency attached by ClinVar (database versions not stated): gnomAD exomes 0.00007 and 0.00016; ESP Exome Variant Server 0.00008; gnomAD 0.00010 and 0.00015; TOPMed 0.00013; ExAC 0.00017; 1000 Genomes Project 0.00140; 1000 Genomes Project 30x 0.00203.
gnomAD v4.1: 138 of 1,614,132 alleles (0.0085%); highest among the groups gnomAD compares: East Asian, 0.1%; no homozygotes.

Submissions (3):

PreventionGenetics, part of Exact Sciences
Classification: Uncertain significance for DST-related condition. Last evaluated: 2025-12-17. Review status: criteria provided, single submitter. Criteria: ACMG Guidelines, 2015. Collection method: clinical testing. Allele origin: germline.
Comment: The DST c.484C>T variant is predicted to result in the amino acid substitution p.Arg162Cys. To our knowledge, this variant has not been reported in the literature. This variant is reported in 0.095% of alleles in individuals of East Asian descent in gnomAD. At this time, the clinical significance of this variant is uncertain due to the absence of conclusive functional and genetic evidence.

Labcorp Genetics (formerly Invitae), Labcorp
Classification: Uncertain significance for Epidermolysis bullosa simplex 3, localized or generalized intermediate, with BP230 deficiency; Hereditary sensory and autonomic neuropathy type 6. Last evaluated: 2024-12-05. Review status: criteria provided, single submitter. Criteria: Invitae Variant Classification Sherloc (09022015). Collection method: clinical testing. Allele origin: germline.
Comment: This sequence change replaces arginine, which is basic and polar, with cysteine, which is neutral and slightly polar, at codon 162 of the DST protein (p.Arg162Cys). This variant is present in population databases (rs191160112, gnomAD 0.08%). This variant has not been reported in the literature in individuals affected with DST-related conditions. ClinVar contains an entry for this variant (Variation ID: 657527). An algorithm developed to predict the effect of missense changes on protein structure and function (PolyPhen-2) suggests that this variant is likely to be disruptive. In summary, the available evidence is currently insufficient to determine the role of this variant in disease. Therefore, it has been classified as a Variant of Uncertain Significance.

Ambry Genetics
Classification: Uncertain significance for Inborn genetic diseases. Last evaluated: 2021-07-21. Review status: criteria provided, single submitter. Criteria: Ambry Variant Classification Scheme 2023. Collection method: clinical testing. Allele origin: germline.
Comment: The p.R666C variant (also known as c.1996C>T), located in coding exon 17 of the DST gene, results from a C to T substitution at nucleotide position 1996. The arginine at codon 666 is replaced by cysteine, an amino acid with highly dissimilar properties. This amino acid position is well conserved in available vertebrate species. In addition, this alteration is predicted to be deleterious by in silico analysis. Since supporting evidence is limited at this time, the clinical significance of this alteration remains unclear.

NM_001374736.1(DST):c.2095C>T (p.Arg699Cys)

Gene: DST (dystonin; minus strand). Cytogenetic location: 6p12.1.
Variant type: single nucleotide variant.
Coding change: c.2095C>T on transcript NM_001374736.1 (MANE Select); coding-DNA position 2095, C replaced by T.
Protein change: p.Arg699Cys; replaces arginine 699 with cysteine.
Molecular consequence: missense variant.
Genome position (GRCh38, 1-based): chr6:56,640,538, G>A on the plus strand (C>T on the coding strand, the complement: DST is on the minus strand). VCF-style: chr6-56640538-G-A. GRCh37 (hg19) VCF-style: chr6-56505336-G-A.
Other names: c.1996C>T, p.Arg666Cys (NM_001144769.5); c.1582C>T, p.Arg528Cys (NM_001144770.2); c.2095C>T, p.Arg699Cys (NM_001374722.1); c.1462C>T, p.Arg488Cys (NM_001374729.1, NM_001374730.1, NM_001386100.1 and 1 more transcripts); c.2122C>T, p.Arg708Cys (NM_001374734.1); c.484C>T, p.Arg162Cys (NM_001723.7, NM_015548.5); short protein forms R488C, R162C, R528C, R666C, R699C, R708C.
Identifiers: ClinVar variation 657527 (VCV000657527.11), dbSNP rs191160112, ClinGen allele CA3871483.